The following is an entry in ClinVar:

NM_001005242.3(PKP2):c.2116A>G (p.Ile706Val)

Gene: PKP2 (plakophilin 2; minus strand). Cytogenetic location: 12p11.21.
Variant type: single nucleotide variant.
Coding change: c.2116A>G on transcript NM_001005242.3 (MANE Select); coding-DNA position 2116, A replaced by G.
Protein change: p.Ile706Val; replaces isoleucine 706 with valine.
Molecular consequence: missense variant.
Genome position (GRCh38, 1-based): chr12:32,802,454, T>C on the plus strand (A>G on the coding strand, the complement: PKP2 is on the minus strand). VCF-style: chr12-32802454-T-C. GRCh37 (hg19) VCF-style: chr12-32955388-T-C.
Other names: c.2116A>G, p.Ile706Val (NM_001407155.1); c.1951A>G, p.Ile651Val (NM_001407156.1); c.1789A>G, p.Ile597Val (NM_001407158.1, NM_001407159.1, NM_001407160.1); c.2248A>G, p.Ile750Val (NM_004572.4); short protein forms I597V, I651V, I706V, I750V.
Identifiers: ClinVar variation 3069512 (VCV003069512.4), dbSNP rs1201491997, ClinGen allele CA384359517.
Genomic context (GRCh38, chr12:32,802,454, plus strand): 5'-CCGACTCACCAATTTCATTCTGCAGAGAAAGATTCCGGGACAGATTCCTCAGCAGCGAGA[T>C]GGCTGTCTTTTTCACACTTGGGTCACCAACATGCAGCATCTTTCGGGTGTGCTGCAGGCC-3'
Protein context (NP_001005242.2, residues 696-716): VGDPSVKKTA[Ile706Val]SLLRNLSRNL

ClinVar aggregate classification (germline): Conflicting classifications of pathogenicity. Review status: criteria provided, conflicting classifications (1 of 4 stars). 4 submissions from 4 submitters: Uncertain significance (3); Likely benign (1). Last evaluated 2025-12-27.

Conditions:
Cardiovascular phenotype. Identifiers: MedGen CN230736.
Arrhythmogenic right ventricular dysplasia 9 (ARVD9). Also called: Arrhythmogenic Right Ventricular Dysplasia/Cardiomyopathy 9; ARRHYTHMOGENIC RIGHT VENTRICULAR DYSPLASIA, FAMILIAL, 9. Identifiers: MedGen C1836906, MONDO:0012180, OMIM 609040.
Arrhythmogenic right ventricular cardiomyopathy (ARVD). Also called: Arrhythmogenic right ventricular dysplasia; Cardiomyopathy, ARVC; Arrhythmogenic cardiomyopathy; Arrhythmogenic Right Ventricular Cardiomyopathy (ARVC). Identifiers: Orphanet 247, MedGen C0349788, MeSH D019571, MONDO:0016587. Disease mechanism: loss of function. Inheritance: Various modes of inheritance.

Allele frequency attached by ClinVar (database versions not stated): TOPMed below 0.00001.

Submissions (4):

Labcorp Genetics (formerly Invitae), Labcorp
Classification: Uncertain significance for Arrhythmogenic right ventricular dysplasia 9. Last evaluated: 2025-12-27. Review status: criteria provided, single submitter. Criteria: Invitae Variant Classification Sherloc (09022015). Collection method: clinical testing. Allele origin: germline.
Comment: This sequence change replaces isoleucine, which is neutral and non-polar, with valine, which is neutral and non-polar, at codon 750 of the PKP2 protein (p.Ile750Val). This variant is not present in population databases (gnomAD no frequency). This variant has not been reported in the literature in individuals affected with PKP2-related conditions. ClinVar contains an entry for this variant (Variation ID: 3069512). An algorithm developed to predict the effect of missense changes on protein structure and function outputs the following: PolyPhen-2: "Benign". The valine amino acid residue is found in multiple mammalian species, which suggests that this missense change does not adversely affect protein function. In summary, the available evidence is currently insufficient to determine the role of this variant in disease. Therefore, it has been classified as a Variant of Uncertain Significance.

Ambry Genetics
Classification: Likely benign for Cardiovascular phenotype. Last evaluated: 2024-05-12. Review status: criteria provided, single submitter. Criteria: Ambry Variant Classification Scheme 2023. Collection method: clinical testing. Allele origin: germline.

All of Us Research Program, National Institutes of Health
Classification: Uncertain significance for Arrhythmogenic right ventricular cardiomyopathy. Last evaluated: 2023-02-24. Review status: criteria provided, single submitter. Criteria: ACMG Guidelines, 2015. Collection method: clinical testing. Allele origin: germline. Inheritance: Autosomal dominant inheritance. Observed: 1 variant allele, 1 heterozygote.
Comment: This missense variant replaces isoleucine with valine at codon 750 of the PKP2 protein. Computational prediction suggests that this variant may not impact protein structure and function (internally defined REVEL score threshold <= 0.5, PMID: 27666373). To our knowledge, functional studies have not been reported for this variant. This variant has not been reported in individuals affected with PKP2-related disorders in the literature. This variant has not been identified in the general population by the Genome Aggregation Database (gnomAD). The available evidence is insufficient to determine the role of this variant in disease conclusively. Therefore, this variant is classified as a Variant of Uncertain Significance.

This study involves interpretation of variants in research participants for the purpose of population health screening. Participant phenotype was not available at the time of variant classification. Additional details can be found in publication PMID: 35346344, PMCID: PMC8962531

Breakthrough Genomics
Classification: Uncertain significance. Review status: criteria provided, single submitter. Criteria: ACMG Guidelines, 2015. Collection method: not provided. Allele origin: germline. Inheritance: Autosomal dominant inheritance. Affected: yes.